The following is an entry in ClinVar:

ClinVar aggregate classification (germline): Likely benign (1 of 4 stars; one submission).

Allele frequency attached by ClinVar (database versions not stated): gnomAD 0.00019; ExAC 0.00021.

Submission:

CeGaT Center for Human Genetics Tuebingen
Classification: Likely benign. Last evaluated: 2024-01-01. Review status: criteria provided, single submitter. Criteria: CeGaT Center For Human Genetics Tuebingen Variant Classification Criteria Version 2. Collection method: clinical testing. Allele origin: germline. Affected: yes. Observed: 3 variant alleles.
Comment: FLG: BP4, BP7

NM_002016.2(FLG):c.9672T>C (p.His3224=)

Genes: CCDST (cervical cancer associated DHX9 suppressive transcript; plus strand), FLG (filaggrin; minus strand). Cytogenetic location: 1q21.3.
Variant type: single nucleotide variant.
Coding change: c.9672T>C on transcript NM_002016.2 (MANE Select); coding-DNA position 9672, T replaced by C.
Protein change: p.His3224=; no amino-acid change (histidine 3224 retained).
Molecular consequence: synonymous variant.
Genome position (GRCh38, 1-based): chr1:152,305,214, A>G on the plus strand (T>C on the coding strand, the complement: FLG is on the minus strand). VCF-style: chr1-152305214-A-G. GRCh37 (hg19) VCF-style: chr1-152277690-A-G.
Identifiers: ClinVar variation 2639249 (VCV002639249.24), dbSNP rs770988040, ClinGen allele CA1103738.